The following is an entry in ClinVar:

ClinVar aggregate classification (germline): Uncertain significance. Review status: criteria provided, multiple submitters, no conflicts (2 of 4 stars). 2 submissions from 2 submitters: Uncertain significance (2). Last evaluated 2026-01-19.

Conditions:
Hereditary cancer-predisposing syndrome. Also called: Hereditary Cancer Syndrome; Tumor predisposition; Hereditary neoplastic syndrome; Neoplastic Syndromes, Hereditary. Identifiers: Orphanet 140162, MedGen C0027672, MeSH D009386, MONDO:0015356.
Familial cancer of breast. Also called: Hereditary breast cancer; hereditary breast carcinoma; BREAST CANCER, FAMILIAL. Identifiers: Orphanet 227535, MedGen C0346153, MONDO:0016419, OMIM 114480. Disease mechanism: loss of function.

Allele frequency attached by ClinVar (database versions not stated): gnomAD exomes below 0.00001.
gnomAD v4.1: 1 of 1,613,982 alleles (0.000062%); highest among the groups gnomAD compares: East Asian, 0.0022%; no homozygotes.

Submissions (2):

Labcorp Genetics (formerly Invitae), Labcorp
Classification: Uncertain significance for Familial cancer of breast. Last evaluated: 2026-01-19. Review status: criteria provided, single submitter. Criteria: Invitae Variant Classification Sherloc (09022015). Collection method: clinical testing. Allele origin: germline.
Comment: This sequence change replaces glutamic acid, which is acidic and polar, with lysine, which is basic and polar, at codon 317 of the BARD1 protein (p.Glu317Lys). This variant is not present in population databases (gnomAD no frequency). This variant has not been reported in the literature in individuals affected with BARD1-related conditions. ClinVar contains an entry for this variant (Variation ID: 1047545). An algorithm developed to predict the effect of missense changes on protein structure and function (PolyPhen-2) suggests that this variant is likely to be tolerated. In summary, the available evidence is currently insufficient to determine the role of this variant in disease. Therefore, it has been classified as a Variant of Uncertain Significance.

Ambry Genetics
Classification: Uncertain significance for Hereditary cancer-predisposing syndrome. Last evaluated: 2022-05-26. Review status: criteria provided, single submitter. Criteria: Ambry Variant Classification Scheme 2023. Collection method: clinical testing. Allele origin: germline.
Comment: The p.E317K variant (also known as c.949G>A), located in coding exon 4 of the BARD1 gene, results from a G to A substitution at nucleotide position 949. The glutamic acid at codon 317 is replaced by lysine, an amino acid with similar properties. This amino acid position is conserved. In addition, this alteration is predicted to be tolerated by in silico analysis. Since supporting evidence is limited at this time, the clinical significance of this alteration remains unclear.

NM_000465.4(BARD1):c.949G>A (p.Glu317Lys)

Gene: BARD1 (BRCA1 associated RING domain 1; minus strand). Cytogenetic location: 2q35.
Variant type: single nucleotide variant.
Coding change: c.949G>A on transcript NM_000465.4 (MANE Select); coding-DNA position 949, G replaced by A.
Protein change: p.Glu317Lys; replaces glutamic acid 317 with lysine.
Molecular consequence: missense variant. On other transcripts: non-coding transcript variant (2), intron variant (3).
Genome position (GRCh38, 1-based): chr2:214,780,925, C>T on the plus strand (G>A on the coding strand, the complement: BARD1 is on the minus strand). VCF-style: chr2-214780925-C-T. GRCh37 (hg19) VCF-style: chr2-215645649-C-T.
Other names: c.892G>A, p.Glu298Lys (NM_001282543.2); c.159-28370G>A (NM_001282548.2); c.215+16136G>A (NM_001282545.2); c.364+11372G>A (NM_001282549.2); short protein forms E317K, E298K.
Identifiers: ClinVar variation 1047545 (VCV001047545.12), dbSNP rs1559424451, ClinGen allele CA350454815.